The following is an entry in ClinVar:

NM_015559.3(SETBP1):c.1616C>T (p.Pro539Leu)

Gene: SETBP1 (SET binding protein 1; plus strand). Cytogenetic location: 18q12.3.
Variant type: single nucleotide variant.
Coding change: c.1616C>T on transcript NM_015559.3 (MANE Select); coding-DNA position 1616, C replaced by T.
Protein change: p.Pro539Leu; replaces proline 539 with leucine.
Molecular consequence: missense variant.
Genome position (GRCh38, 1-based): chr18:44,950,956, C>T. VCF-style: chr18-44950956-C-T. GRCh37 (hg19) VCF-style: chr18-42530921-C-T.
Other names: c.1616C>T, p.Pro539Leu (NM_001379141.1, NM_001379142.1, NM_001410862.1); short protein forms P539L.
Identifiers: ClinVar variation 2980295 (VCV002980295.3), dbSNP rs2071333085, ClinGen allele CA402318909.

ClinVar aggregate classification (germline): Uncertain significance (1 of 4 stars; one submission).

Allele frequency attached by ClinVar (database versions not stated): gnomAD exomes below 0.00001; TOPMed below 0.00001.
gnomAD v4.1: 1 of 1,614,118 alleles (0.000062%); highest among the groups gnomAD compares: Non-Finnish European, 0.000085%; no homozygotes.

Submission:

Labcorp Genetics (formerly Invitae), Labcorp
Classification: Uncertain significance. Last evaluated: 2025-04-26. Review status: criteria provided, single submitter. Criteria: Invitae Variant Classification Sherloc (09022015). Collection method: clinical testing. Allele origin: germline.
Comment: This sequence change replaces proline, which is neutral and non-polar, with leucine, which is neutral and non-polar, at codon 539 of the SETBP1 protein (p.Pro539Leu). This variant is not present in population databases (gnomAD no frequency). This variant has not been reported in the literature in individuals affected with SETBP1-related conditions. ClinVar contains an entry for this variant (Variation ID: 2980295). Invitae Evidence Modeling of protein sequence and biophysical properties (such as structural, functional, and spatial information, amino acid conservation, physicochemical variation, residue mobility, and thermodynamic stability) indicates that this missense variant is not expected to disrupt SETBP1 protein function with a negative predictive value of 80%. In summary, the available evidence is currently insufficient to determine the role of this variant in disease. Therefore, it has been classified as a Variant of Uncertain Significance.